The following is an entry in ClinVar:

ClinVar aggregate classification (germline): Pathogenic/Likely pathogenic. Review status: criteria provided, multiple submitters, no conflicts (2 of 4 stars). 2 submissions from 2 submitters: Pathogenic (1); Likely pathogenic (1). Last evaluated 2024-02-29.

Conditions:
Ataxia-telangiectasia-like disorder (ATLD). Identifiers: MedGen C1858391, MONDO:0011457.

Submissions (2):

Labcorp Genetics (formerly Invitae), Labcorp
Classification: Pathogenic for Ataxia-telangiectasia-like disorder. Last evaluated: 2024-02-29. Review status: criteria provided, single submitter. Criteria: Invitae Variant Classification Sherloc (09022015). Collection method: clinical testing. Allele origin: germline.
Comment: This sequence change creates a premature translational stop signal (p.Glu350Thrfs*4) in the MRE11 gene. It is expected to result in an absent or disrupted protein product. Loss-of-function variants in MRE11 are known to be pathogenic (PMID: 23080121, 23912341). This variant is not present in population databases (gnomAD no frequency). This variant has not been reported in the literature in individuals affected with MRE11-related conditions. ClinVar contains an entry for this variant (Variation ID: 660377). For these reasons, this variant has been classified as Pathogenic.

Institute for Clinical Genetics, University Hospital TU Dresden, University Hospital TU Dresden
Classification: Likely pathogenic. Last evaluated: 2021-11-03. Review status: criteria provided, single submitter. Criteria: ACMG Guidelines, 2015. Collection method: clinical testing. Allele origin: germline.

Literature cited by the submitters: PubMed 23080121 (cited by Labcorp Genetics (formerly Invitae), Labcorp); PubMed 23912341 (cited by Labcorp Genetics (formerly Invitae), Labcorp).

NM_005591.4(MRE11):c.1047_1048del (p.Glu350fs)

Gene: MRE11 (MRE11 double strand break repair nuclease; minus strand). Cytogenetic location: 11q21.
Variant type: Deletion.
Coding change: c.1047_1048del on transcript NM_005591.4 (MANE Select); coding-DNA positions 1047 to 1048, 2 bases deleted (GG; older notation c.1047_1048delGG).
Protein change: p.Glu350fs; shifts the reading frame from glutamic acid 350.
Molecular consequence: frameshift variant.
Genome position (GRCh38, 1-based): chr11:94,467,863-94,467,864, CC deleted on the plus strand (GG on the coding strand, the reverse complement: MRE11 is on the minus strand); deleting any 2 consecutive bases within chr11:94,467,863-94,467,865 gives the same sequence; the c. name uses the placement nearest the transcript's 3' end. VCF-style (leftmost placement, unchanged base first): chr11-94467862-TCC-T. GRCh37 (hg19) VCF-style: chr11-94201028-TCC-T.
Other names: c.1047_1048del, p.Glu350fs (NM_001330347.2, NM_005590.4); c.1047_1048delGG (NM_005591.3); short protein forms E350fs.
Identifiers: ClinVar variation 660377 (VCV000660377.9), dbSNP rs1591688367, ClinGen allele CA915948783.